The following is an entry in ClinVar:

ClinVar aggregate classification (germline): Pathogenic/Likely pathogenic. Review status: criteria provided, multiple submitters, no conflicts (2 of 4 stars). 2 submissions from 2 submitters: Pathogenic (1); Likely pathogenic (1). Last evaluated 2024-01-11.

Conditions:
Dystonia 5 (DRD). Also called: Dystonia, DOPA-responsive, with or without hyperphenylalaninemia; DYT-GCH1; DYSTONIA, PROGRESSIVE, WITH DIURNAL VARIATION; DYSTONIA-PARKINSONISM WITH DIURNAL FLUCTUATION; GTP Cyclohydrolase 1-Deficient Dopa-Responsive Dystonia. Identifiers: Orphanet 98808, MedGen C1851920, MONDO:0007495, OMIM 128230.
Dystonic disorder. Also called: Dystonia. Identifiers: MedGen C0013421, MONDO:0003441, HP:0001332.

Submissions (2):

Unidad de Genómica Garrahan, Hospital de Pediatría Garrahan
Classification: Pathogenic for Dystonic disorder. Last evaluated: 2024-01-11. Review status: criteria provided, single submitter. Criteria: ACMG Guidelines, 2015. Collection method: clinical testing. Allele origin: germline. Affected: yes.

3billion
Classification: Likely pathogenic for Dystonia 5. Last evaluated: 2022-05-22. Review status: criteria provided, single submitter. Criteria: ACMG Guidelines, 2015. Collection method: clinical testing. Allele origin: germline. Affected: yes. Observed: 1 heterozygote.
Comment: The variant is not observed in the gnomAD v2.1.1 dataset. Stop-gained (nonsense): predicted to result in a loss or disruption of normal protein function through nonsense-mediated decay (NMD) or protein truncation. Multiple pathogenic variants are reported downstream of the variant. Therefore, this variant is classified as likely pathogenic according to the recommendation of ACMG/AMP guideline.

NM_000161.3(GCH1):c.478A>T (p.Lys160Ter)

Gene: GCH1 (GTP cyclohydrolase 1; minus strand). Cytogenetic location: 14q22.2.
Variant type: single nucleotide variant.
Coding change: c.478A>T on transcript NM_000161.3 (MANE Select); coding-DNA position 478, A replaced by T.
Protein change: p.Lys160Ter; replaces lysine 160 with a stop codon.
Molecular consequence: nonsense.
Genome position (GRCh38, 1-based): chr14:54,859,712, T>A on the plus strand (A>T on the coding strand, the complement: GCH1 is on the minus strand). VCF-style: chr14-54859712-T-A. GRCh37 (hg19) VCF-style: chr14-55326430-T-A.
Other names: c.478A>T, p.Lys160Ter (NM_001024024.2, NM_001024070.2, NM_001024071.2); short protein forms K160*.
Identifiers: ClinVar variation 1687225 (VCV001687225.3), dbSNP rs2140063480, ClinGen allele CA389788415.